The following is an entry in ClinVar:

NM_021930.6(RINT1):c.1476G>T (p.Arg492Ser)

Gene: RINT1 (RAD50 interactor 1; plus strand). Cytogenetic location: 7q22.3.
Variant type: single nucleotide variant.
Coding change: c.1476G>T on transcript NM_021930.6 (MANE Select); coding-DNA position 1476, G replaced by T.
Protein change: p.Arg492Ser; replaces arginine 492 with serine.
Molecular consequence: missense variant.
Genome position (GRCh38, 1-based): chr7:105,555,032, G>T. VCF-style: chr7-105555032-G-T. GRCh37 (hg19) VCF-style: chr7-105195479-G-T.
Other names: c.1242G>T, p.Arg414Ser (NM_001346599.2); c.453G>T, p.Arg151Ser (NM_001346600.2, NM_001346603.2); c.552G>T, p.Arg184Ser (NM_001346601.2); short protein forms R184S, R151S, R414S, R492S.
Identifiers: ClinVar variation 1773470 (VCV001773470.6), dbSNP rs566923305, ClinGen allele CA368811106.

ClinVar aggregate classification (germline): Uncertain significance. Review status: criteria provided, multiple submitters, no conflicts (2 of 4 stars). 2 submissions from 2 submitters: Uncertain significance (2). Last evaluated 2025-02-08.

Submissions (2):

Ambry Genetics
Classification: Uncertain significance. Last evaluated: 2025-02-08. Review status: criteria provided, single submitter. Criteria: Ambry Variant Classification Scheme 2023. Collection method: clinical testing. Allele origin: germline.
Comment: The p.R492S variant (also known as c.1476G>T), located in coding exon 11 of the RINT1 gene, results from a G to T substitution at nucleotide position 1476. The arginine at codon 492 is replaced by serine, an amino acid with dissimilar properties. This amino acid position is conserved. In addition, this alteration is predicted to be deleterious by in silico analysis. Since supporting evidence is limited at this time, the clinical significance of this alteration remains unclear.

Labcorp Genetics (formerly Invitae), Labcorp
Classification: Uncertain significance. Last evaluated: 2023-09-27. Review status: criteria provided, single submitter. Criteria: Invitae Variant Classification Sherloc (09022015). Collection method: clinical testing. Allele origin: germline.
Comment: An algorithm developed to predict the effect of missense changes on protein structure and function (PolyPhen-2) suggests that this variant is likely to be disruptive. In summary, the available evidence is currently insufficient to determine the role of this variant in disease. Therefore, it has been classified as a Variant of Uncertain Significance. Algorithms developed to predict the effect of sequence changes on RNA splicing suggest that this variant may disrupt the consensus splice site. ClinVar contains an entry for this variant (Variation ID: 1773470). This variant has not been reported in the literature in individuals affected with RINT1-related conditions. This variant is not present in population databases (gnomAD no frequency). This sequence change replaces arginine, which is basic and polar, with serine, which is neutral and polar, at codon 492 of the RINT1 protein (p.Arg492Ser).